The following is an entry in ClinVar:

ClinVar aggregate classification (germline): Uncertain significance (1 of 4 stars; one submission).

Submission:

Labcorp Genetics (formerly Invitae), Labcorp
Classification: Uncertain significance. Last evaluated: 2020-11-16. Review status: criteria provided, single submitter. Criteria: Invitae Variant Classification Sherloc (09022015). Collection method: clinical testing. Allele origin: germline.
Comment: Algorithms developed to predict the effect of missense changes on protein structure and function are either unavailable or do not agree on the potential impact of this missense change (SIFT: "Deleterious"; PolyPhen-2: "Probably Damaging"; Align-GVGD: "Class C0"). In summary, the available evidence is currently insufficient to determine the role of this variant in disease. Therefore, it has been classified as a Variant of Uncertain Significance. This variant has not been reported in the literature in individuals with SZT2-related conditions. This sequence change replaces leucine with serine at codon 385 of the SZT2 protein (p.Leu385Ser). The leucine residue is weakly conserved and there is a large physicochemical difference between leucine and serine. This variant is not present in population databases (ExAC no frequency).

NM_001365999.1(SZT2):c.1154T>C (p.Leu385Ser)

Gene: SZT2 (SZT2 subunit of KICSTOR complex; plus strand). Cytogenetic location: 1p34.2.
Variant type: single nucleotide variant.
Coding change: c.1154T>C on transcript NM_001365999.1 (MANE Select); coding-DNA position 1154, T replaced by C.
Protein change: p.Leu385Ser; replaces leucine 385 with serine.
Molecular consequence: missense variant.
Genome position (GRCh38, 1-based): chr1:43,420,216, T>C. VCF-style: chr1-43420216-T-C. GRCh37 (hg19) VCF-style: chr1-43885887-T-C.
Other names: c.1154T>C, p.Leu385Ser (NM_015284.4); short protein forms L385S.
Identifiers: ClinVar variation 1471208 (VCV001471208.8), dbSNP rs2153932144, ClinGen allele CA340006666.